The following is an entry in ClinVar:

ClinVar aggregate classification (germline): Uncertain significance (1 of 4 stars; one submission).

Conditions:
Hereditary breast ovarian cancer syndrome. Also called: Hereditary breast and ovarian cancer; Hereditary breast and ovarian cancer syndrome; Breast and ovarian cancer; BRCA1- and BRCA2-Associated Hereditary Breast and Ovarian Cancer; Hereditary breast and ovarian cancer syndrome (HBOC); Hereditary breast and/or ovarian cancer syndrome. Identifiers: Orphanet 145, MedGen C0677776, MeSH D061325, MONDO:0003582. Disease mechanism: loss of function.

Submission:

Labcorp Genetics (formerly Invitae), Labcorp
Classification: Uncertain significance for Hereditary breast ovarian cancer syndrome. Last evaluated: 2023-08-28. Review status: criteria provided, single submitter. Criteria: Invitae Variant Classification Sherloc (09022015). Collection method: clinical testing. Allele origin: germline.
Comment: This sequence change replaces serine, which is neutral and polar, with threonine, which is neutral and polar, at codon 663 of the BRCA1 protein (p.Ser663Thr). This variant is not present in population databases (gnomAD no frequency). In summary, the available evidence is currently insufficient to determine the role of this variant in disease. Therefore, it has been classified as a Variant of Uncertain Significance. Advanced modeling of protein sequence and biophysical properties (such as structural, functional, and spatial information, amino acid conservation, physicochemical variation, residue mobility, and thermodynamic stability) performed at Invitae indicates that this missense variant is not expected to disrupt BRCA1 protein function. This variant has not been reported in the literature in individuals affected with BRCA1-related conditions.

NM_007294.4(BRCA1):c.1988G>C (p.Ser663Thr)

Gene: BRCA1 (BRCA1 DNA repair associated; minus strand). Cytogenetic location: 17q21.31.
Variant type: single nucleotide variant.
Coding change: c.1988G>C on transcript NM_007294.4 (MANE Select); coding-DNA position 1988, G replaced by C.
Protein change: p.Ser663Thr; replaces serine 663 with threonine.
Molecular consequence: missense variant. On other transcripts: intron variant (137).
Genome position (GRCh38, 1-based): chr17:43,093,543, C>G on the plus strand (G>C on the coding strand, the complement: BRCA1 is on the minus strand). VCF-style: chr17-43093543-C-G. GRCh37 (hg19) VCF-style: chr17-41245560-C-G.
Other names: c.1484G>C, p.Ser495Thr (NM_001407965.1); c.1100G>C, p.Ser367Thr (NM_001407966.1, NM_001407967.1); c.523+1201G>C (NM_001408496.1, NM_001408498.1, NM_001408501.1 and 3 more transcripts); c.706+1201G>C (NM_001408413.1, NM_001408416.1); c.586+1201G>C (NM_001408476.1, NM_001408474.1); c.646+1201G>C (NM_001408460.1, NM_001408454.1, NM_001408469.1 and 11 more transcripts); c.709+1201G>C (NM_001408409.1, NM_001408414.1, NM_001408411.1 and 2 more transcripts); c.574+1201G>C (NM_001408493.1, NM_001408490.1, NM_001408491.1); and 40 more; short protein forms S592T, S595T, S616T, S622T, S663T, S536T, S552T, S637T.
Identifiers: ClinVar variation 2755848 (VCV002755848.3), dbSNP rs2154405902, ClinGen allele CA10598038.